The following is an entry in ClinVar:

ClinVar aggregate classification (germline): Pathogenic (1 of 4 stars; one submission).

Conditions:
Long QT syndrome (LQTS). Identifiers: MedGen C0023976, MeSH D008133, MONDO:0002442. Disease mechanism: loss of function. Inheritance: Various modes of inheritance.

Submission:

Labcorp Genetics (formerly Invitae), Labcorp
Classification: Pathogenic for Long QT syndrome. Last evaluated: 2023-03-07. Review status: criteria provided, single submitter. Criteria: Invitae Variant Classification Sherloc (09022015). Collection method: clinical testing. Allele origin: unknown.
Comment: For these reasons, this variant has been classified as Pathogenic. A similar copy number variant has been observed in individual(s) with long QT syndrome (PMID: 21185499). This variant is a gross deletion of the genomic region encompassing exon(s) 1-14 of the KCNH2 gene, which includes the initiator codon. This deletion extends beyond the assayed region for this gene and therefore may encompass additional genes. It is expected to result in an absent or disrupted protein product. Loss-of-function variants in KCNH2 are known to be pathogenic (PMID: 10973849, 19862833).

Literature cited by the submitters: PubMed 21185499; PubMed 10973849; PubMed 19862833.

NC_000007.13:g.(?_150643945)_(151573705_?)del

Genes: ABCB8 (ATP binding cassette subfamily B member 8; plus strand), ABCF2 (ATP binding cassette subfamily F member 2; minus strand), AGAP3 (ArfGAP with GTPase domain, ankyrin repeat and PH domain 3; plus strand), ASB10 (ankyrin repeat and SOCS box containing 10; minus strand), ASIC3 (acid sensing ion channel subunit 3; plus strand) and 16 more. Cytogenetic location: 7q36.1.
Variant type: Deletion.
Identifiers: ClinVar variation 3245697 (VCV003245697.1).